The following is an entry in ClinVar:

ClinVar aggregate classification (germline): Likely pathogenic (1 of 4 stars; one submission).

Conditions:
Hereditary cancer-predisposing syndrome. Also called: Hereditary Cancer Syndrome; Neoplastic Syndromes, Hereditary; Tumor predisposition; Hereditary neoplastic syndrome. Identifiers: Orphanet 140162, MedGen C0027672, MeSH D009386, MONDO:0015356.

Submission:

Ambry Genetics
Classification: Likely pathogenic for Hereditary cancer-predisposing syndrome. Last evaluated: 2020-02-14. Review status: criteria provided, single submitter. Criteria: Ambry Variant Classification Scheme 2023. Collection method: clinical testing. Allele origin: germline.
Comment: The c.12_13delCGinsTT variant, located in coding exon 1 of the RAD50 gene, results from an in-frame deletion of CG and insertion of TT at nucleotide positions 12 to 13. This changes the amino acid at codon 5 from a glutamic acid to a stop codon. This alteration is expected to result in loss of function by premature protein truncation or nonsense-mediated mRNA decay. However, the RAD50 gene contains a second methionine encoding an initiation sequence 21 nucleotides (seven amino acids) downstream of the canonical start site. This has the potential to function as an alternate translation initiation site, resulting in the removal of the first six amino acids from the protein; however, direct evidence is unavailable. Other variants that impact the p.M1 initiation codon, p.M1? (c.1A>G) and p.M1? (c.3G>A), are expected to result in either loss of translation initiation, N-terminal truncation, or cause a shift in the mRNA reading frame, and are interpreted as likely pathogenic. Based on the majority of available evidence to date, this variant is likely to be pathogenic.

NM_005732.4(RAD50):c.12_13delinsTT (p.Glu5Ter)

Gene: RAD50 (RAD50 double strand break repair protein; plus strand). Cytogenetic location: 5q31.1.
Variant type: Indel.
Coding change: c.12_13delinsTT on transcript NM_005732.4 (MANE Select); coding-DNA positions 12 to 13, CG replaced by TT.
Protein change: p.Glu5Ter; replaces glutamic acid 5 with a stop codon.
Molecular consequence: nonsense.
Genome position (GRCh38, 1-based): chr5:132,557,336-132,557,337, CG replaced by TT. VCF-style: chr5-132557336-CG-TT. GRCh37 (hg19) VCF-style: chr5-131893028-CG-TT.
Other names: short protein forms E5*.
Identifiers: ClinVar variation 1747232 (VCV001747232.2), dbSNP rs2479573777, ClinGen allele CA2580072646.